The following is an entry in ClinVar:

ClinVar aggregate classification (germline): Likely benign (0 of 4 stars; one submission).

Conditions:
SEMA3E-related disorder. Also called: SEMA3E-related condition.

Submission:

PreventionGenetics, part of Exact Sciences
Classification: Likely benign for SEMA3E-related condition. Last evaluated: 2021-11-15. Review status: no assertion criteria provided. Collection method: clinical testing. Allele origin: germline.
Comment: This variant is classified as likely benign based on ACMG/AMP sequence variant interpretation guidelines (Richards et al. 2015 PMID: 25741868, with internal and published modifications).

NM_012431.3(SEMA3E):c.405T>C (p.Thr135=)

Gene: SEMA3E (semaphorin 3E; minus strand). Cytogenetic location: 7q21.11.
Variant type: single nucleotide variant.
Coding change: c.405T>C on transcript NM_012431.3 (MANE Select); coding-DNA position 405, T replaced by C.
Protein change: p.Thr135=; no amino-acid change (threonine 135 retained).
Molecular consequence: synonymous variant.
Genome position (GRCh38, 1-based): chr7:83,466,533, A>G on the plus strand (T>C on the coding strand, the complement: SEMA3E is on the minus strand). VCF-style: chr7-83466533-A-G. GRCh37 (hg19) VCF-style: chr7-83095849-A-G.
Other names: c.225T>C, p.Thr75= (NM_001178129.2).
Identifiers: ClinVar variation 3354969 (VCV003354969.1).
Genomic context (GRCh38, chr7:83,466,533, plus strand): 5'-ACATCTTACCTCCAAATGATATCCAACTCTGATGAAGGCACAAACTGGATCAAAAGCTCC[A>G]GTACCACAGGTCAGAAGGTGTGTCCTGTTATAGTGATGCAAAACCCGAACATAATTTGCA-3'
Protein context (NP_036563.1, residues 125-145): YNRTHLLTCG[Thr135=]GAFDPVCAFI